The following is an entry in ClinVar:

NM_001367624.2(ZNF469):c.3188G>A (p.Arg1063Gln)

Genes: ZNF469 (zinc finger protein 469; plus strand), LOC130059718 (ATAC-STARR-seq lymphoblastoid silent region 7847; plus strand). Cytogenetic location: 16q24.2.
Variant type: single nucleotide variant.
Coding change: c.3188G>A on transcript NM_001367624.2 (MANE Select); coding-DNA position 3188, G replaced by A.
Protein change: p.Arg1063Gln; replaces arginine 1063 with glutamine.
Molecular consequence: missense variant.
Genome position (GRCh38, 1-based): chr16:88,430,658, G>A. VCF-style: chr16-88430658-G-A. GRCh37 (hg19) VCF-style: chr16-88497066-G-A.
Other names: short protein forms R1063Q.
Identifiers: ClinVar variation 2969731 (VCV002969731.4), dbSNP rs928731575, ClinGen allele CA286374538.
Genomic context (GRCh38, chr16:88,430,658, plus strand): 5'-GCGGCGCCTGGGGCAAGGAGCTCATTCTGAAGATCGTGCAGCAGAAGAACAGGCGCCACC[G>A]GCGGCTGGGGCGGCGGGCGGGCAGGTGCGGCTCCCTGGCGGCGGGGAGGCCCCGGCCCGG-3'
Protein context (NP_001354553.1, residues 1053-1073): KIVQQKNRRH[Arg1063Gln]RLGRRAGRCG

ClinVar aggregate classification (germline): Conflicting classifications of pathogenicity. Review status: criteria provided, conflicting classifications (1 of 4 stars). 2 submissions from 2 submitters: Uncertain significance (1); Likely benign (1). Last evaluated 2026-01-11.

Allele frequency attached by ClinVar (database versions not stated): TOPMed 0.00002.
gnomAD v4.1: 16 of 1,491,800 alleles (0.0011%); highest among the groups gnomAD compares: Middle Eastern, 0.019%; no homozygotes.

Submissions (2):

Labcorp Genetics (formerly Invitae), Labcorp
Classification: Likely benign. Last evaluated: 2026-01-11. Review status: criteria provided, single submitter. Criteria: Invitae Variant Classification Sherloc (09022015). Collection method: clinical testing. Allele origin: germline.

Women's Health and Genetics/Laboratory Corporation of America, LabCorp
Classification: Uncertain significance. Last evaluated: 2025-05-27. Review status: criteria provided, single submitter. Criteria: LabCorp Variant Classification Summary - May 2015. Collection method: clinical testing. Allele origin: germline.
Comment: Variant summary: ZNF469 c.3188G>A (p.Arg1063Gln) results in a conservative amino acid change in the encoded protein sequence. Algorithms developed to predict the effect of missense changes on protein structure and function are either unavailable or do not agree on the potential impact of this missense change. The frequency data for this variant in gnomAD is considered unreliable, as metrics indicate poor data quality at this position. To our knowledge, no occurrence of c.3188G>A in individuals affected with Brittle cornea syndrome 1 and no experimental evidence demonstrating its impact on protein function have been reported. ClinVar contains an entry for this variant (Variation ID: 2969731). Based on the evidence outlined above, the variant was classified as uncertain significance.